The following is an entry in ClinVar:

NM_031220.4(PITPNM3):c.1090C>T (p.His364Tyr)

Gene: PITPNM3 (PITPNM family member 3; minus strand). Cytogenetic location: 17p13.2.
Variant type: single nucleotide variant.
Coding change: c.1090C>T on transcript NM_031220.4 (MANE Select); coding-DNA position 1090, C replaced by T.
Protein change: p.His364Tyr; replaces histidine 364 with tyrosine.
Molecular consequence: missense variant.
Genome position (GRCh38, 1-based): chr17:6,474,600, G>A on the plus strand (C>T on the coding strand, the complement: PITPNM3 is on the minus strand). VCF-style: chr17-6474600-G-A. GRCh37 (hg19) VCF-style: chr17-6377920-G-A.
Other names: c.982C>T, p.His328Tyr (NM_001165966.2); short protein forms H328Y, H364Y.
Identifiers: ClinVar variation 2855851 (VCV002855851.4), dbSNP rs2544008220, ClinGen allele CA397407013.

ClinVar aggregate classification (germline): Uncertain significance. Review status: criteria provided, multiple submitters, no conflicts (2 of 4 stars). 2 submissions from 2 submitters: Uncertain significance (2). Last evaluated 2023-04-13.

gnomAD v4.1: 1 of 1,561,968 alleles (0.000064%); highest among the groups gnomAD compares: Non-Finnish European, 0.000087%; no homozygotes.

Submissions (2):

Labcorp Genetics (formerly Invitae), Labcorp
Classification: Uncertain significance. Last evaluated: 2023-04-13. Review status: criteria provided, single submitter. Criteria: Invitae Variant Classification Sherloc (09022015). Collection method: clinical testing. Allele origin: germline.
Comment: In summary, the available evidence is currently insufficient to determine the role of this variant in disease. Therefore, it has been classified as a Variant of Uncertain Significance. This sequence change replaces histidine, which is basic and polar, with tyrosine, which is neutral and polar, at codon 364 of the PITPNM3 protein (p.His364Tyr). This variant is not present in population databases (gnomAD no frequency). This variant has not been reported in the literature in individuals affected with PITPNM3-related conditions. Advanced modeling of protein sequence and biophysical properties (such as structural, functional, and spatial information, amino acid conservation, physicochemical variation, residue mobility, and thermodynamic stability) performed at Invitae indicates that this missense variant is not expected to disrupt PITPNM3 protein function.

Blueprint Genetics
Classification: Uncertain significance. Last evaluated: 2020-03-24. Review status: criteria provided, single submitter. Criteria: ACMG Guidelines, 2015. Collection method: clinical testing. Allele origin: germline.